The following is an entry in ClinVar:

ClinVar aggregate classification (germline): Uncertain significance. Review status: criteria provided, multiple submitters, no conflicts (2 of 4 stars). 4 submissions from 4 submitters: Uncertain significance (4). Last evaluated 2025-12-01.

Conditions:
Inborn genetic diseases. Identifiers: MedGen C0950123, MeSH D030342.
Mitochondrial disease. Also called: Mitochondrial disorders; Mitochondrial disorder. Identifiers: Orphanet 68380, MedGen C0751651, MeSH D028361, MONDO:0044970.

Allele frequency attached by ClinVar (database versions not stated): TOPMed 0.00008; ExAC 0.00009; gnomAD 0.00009; gnomAD exomes 0.00010; 1000 Genomes Project 0.00020; 1000 Genomes Project 30x 0.00031.
gnomAD v4.1: 165 of 1,613,726 alleles (0.01%); highest among the groups gnomAD compares: Admixed American, 0.018%; no homozygotes.

Submissions (4):

CeGaT Center for Human Genetics Tuebingen
Classification: Uncertain significance. Last evaluated: 2025-12-01. Review status: criteria provided, single submitter. Criteria: CeGaT Center For Human Genetics Tuebingen Variant Classification Criteria Version 2. Collection method: clinical testing. Allele origin: germline. Affected: yes. Observed: 1 variant allele.
Comment: WARS2: PM2

Victorian Clinical Genetics Services, Murdoch Childrens Research Institute
Classification: Uncertain significance for Mitochondrial disease. Last evaluated: 2025-10-08. Review status: criteria provided, single submitter. Criteria: ACMG Guidelines, 2015. Collection method: clinical testing. Allele origin: germline. Affected: no.
Comment: This variant is classified as VUS-3B. Evidence in support of pathogenic classification: Variant is present in gnomAD <0.01 for a recessive condition (v4: 165 heterozygote(s), 0 homozygote(s)). Evidence in support of benign classification: Missense variant predicted to be tolerated by in silico tool(s) or not conserved in placental mammals with a minor amino acid change. Additional information: Variant is predicted to result in a missense amino acid change from Glu to Lys; This variant is heterozygous; This gene is associated with autosomal recessive disease; Previous reports of pathogenicity for this variant are conflicting. This variant has been classified twice as a VUS by clinical laboratories (ClinVar). This variant has been reported in an affected compound heterozygous infant presenting with mitochondrial encephalopathy (PMID: 28905505); No published evidence of segregation with disease has been identified for this variant; Functional evidence for this variant is inconclusive. OXPHOS enzyme studies from an affected patient's muscle and fibroblasts showed mild alterations, however, the authors note that the sample was taken close to time of death which may have compromised their findings (PMID: 28905505); Variant is not located in an established domain, motif, hotspot or informative constraint region; Loss of function is a known mechanism of disease in this gene and is associated with mitochondrial disease (MONDO:0044970), WARS2-related.

GeneDx
Classification: Uncertain significance. Last evaluated: 2023-08-15. Review status: criteria provided, single submitter. Criteria: GeneDx Variant Classification Process June 2021. Collection method: clinical testing. Allele origin: germline. Affected: yes.
Comment: In silico analysis supports that this missense variant has a deleterious effect on protein structure/function; This variant is associated with the following publications: (PMID: 30920170, 34426522, 33972171, 28905505)

Ambry Genetics
Classification: Uncertain significance for Inborn genetic diseases. Last evaluated: 2022-02-22. Review status: criteria provided, single submitter. Criteria: Ambry Variant Classification Scheme 2023. Collection method: clinical testing. Allele origin: germline.

Literature cited by the submitters: PubMed 28905505 (cited by Victorian Clinical Genetics Services, Murdoch Childrens Research Institute and Ambry Genetics); PubMed 33972171 (cited by Ambry Genetics).

NM_015836.4(WARS2):c.1054G>A (p.Glu352Lys)

Gene: WARS2 (tryptophanyl tRNA synthetase 2, mitochondrial; minus strand). Cytogenetic location: 1p12.
Variant type: single nucleotide variant.
Coding change: c.1054G>A on transcript NM_015836.4 (MANE Select); coding-DNA position 1054, G replaced by A.
Protein change: p.Glu352Lys; replaces glutamic acid 352 with lysine.
Molecular consequence: missense variant. On other transcripts: 3 prime UTR variant (2).
Genome position (GRCh38, 1-based): chr1:119,032,940, C>T on the plus strand (G>A on the coding strand, the complement: WARS2 is on the minus strand). VCF-style: chr1-119032940-C-T. GRCh37 (hg19) VCF-style: chr1-119575563-C-T.
Other names: c.985G>A, p.Glu329Lys (NM_001378226.1, NM_001378227.1); c.883G>A, p.Glu295Lys (NM_001378228.1); c.796G>A, p.Glu266Lys (NM_001378229.1); c.772G>A, p.Glu258Lys (NM_001378230.1); c.*389G>A (NM_001378231.1); c.*420G>A (NM_201263.2); short protein forms E329K, E352K, E258K, E266K, E295K.
Identifiers: ClinVar variation 2222988 (VCV002222988.10), dbSNP rs563341344, ClinGen allele CA1035162.